The following is an entry in ClinVar:

ClinVar aggregate classification (germline): Uncertain significance. Review status: criteria provided, multiple submitters, no conflicts (2 of 4 stars). 2 submissions from 2 submitters: Uncertain significance (2). Last evaluated 2025-11-23.

Conditions:
Pyogenic arthritis-pyoderma gangrenosum-acne syndrome (PAPA). Also called: FAMILIAL RECURRENT ARTHRITIS; PAPA SYNDROME. Identifiers: Orphanet 69126, MedGen C1858361, MONDO:0011462, OMIM 604416.

Allele frequency attached by ClinVar (database versions not stated): gnomAD 0.00001; ExAC 0.00002.
gnomAD v4.1: 15 of 1,612,260 alleles (0.00093%); highest among the groups gnomAD compares: South Asian, 0.0055%; no homozygotes.

Submissions (2):

Labcorp Genetics (formerly Invitae), Labcorp
Classification: Uncertain significance for Pyogenic arthritis-pyoderma gangrenosum-acne syndrome. Last evaluated: 2025-11-23. Review status: criteria provided, single submitter. Criteria: Invitae Variant Classification Sherloc (09022015). Collection method: clinical testing. Allele origin: germline.
Comment: This sequence change replaces arginine, which is basic and polar, with tryptophan, which is neutral and slightly polar, at codon 189 of the PSTPIP1 protein (p.Arg189Trp). This variant is present in population databases (rs542018257, gnomAD 0.01%). This variant has not been reported in the literature in individuals affected with PSTPIP1-related conditions. ClinVar contains an entry for this variant (Variation ID: 958457). An algorithm developed to predict the effect of missense changes on protein structure and function (PolyPhen-2) suggests that this variant is likely to be disruptive. Algorithms developed to predict the effect of sequence changes on RNA splicing suggest that this variant may disrupt the consensus splice site. In summary, the available evidence is currently insufficient to determine the role of this variant in disease. Therefore, it has been classified as a Variant of Uncertain Significance.

Blueprint Genetics
Classification: Uncertain significance. Last evaluated: 2019-05-07. Review status: criteria provided, single submitter. Criteria: ACMG Guidelines, 2015. Collection method: clinical testing. Allele origin: germline.

NM_003978.5(PSTPIP1):c.565C>T (p.Arg189Trp)

Gene: PSTPIP1 (proline-serine-threonine phosphatase interacting protein 1; plus strand). Cytogenetic location: 15q24.3.
Variant type: single nucleotide variant.
Coding change: c.565C>T on transcript NM_003978.5 (MANE Select); coding-DNA position 565, C replaced by T.
Protein change: p.Arg189Trp; replaces arginine 189 with tryptophan.
Molecular consequence: missense variant.
Genome position (GRCh38, 1-based): chr15:77,030,504, C>T. VCF-style: chr15-77030504-C-T. GRCh37 (hg19) VCF-style: chr15-77322845-C-T.
Other names: c.565C>T, p.Arg189Trp (NM_001321135.2); c.538C>T, p.Arg180Trp (NM_001321136.2); c.760C>T, p.Arg254Trp (NM_001321137.1); short protein forms R189W, R180W, R254W.
Identifiers: ClinVar variation 958457 (VCV000958457.10), dbSNP rs542018257, ClinGen allele CA7675886.
Genomic context (GRCh38, chr15:77,030,504, plus strand): 5'-AGTACAGGGGTGGAGGAGCTCGTGTCAGGGCCCTCCCTGAGGCTGCCTGCGCTTTCAGAG[C>T]GGGTATACAGGCAGAGCATTGCGCAGCTGGAGAAGGTCCGGGCTGAGTGGGAGCAGGAGC-3'
Protein context (NP_003969.2, residues 179-199): QCKDSATEAE[Arg189Trp]VYRQSIAQLE